The following is an entry in ClinVar:

NM_005477.3(HCN4):c.2048C>T (p.Ser683Leu)

Gene: HCN4 (hyperpolarization activated cyclic nucleotide gated potassium channel 4; minus strand). Cytogenetic location: 15q24.1.
Variant type: single nucleotide variant.
Coding change: c.2048C>T on transcript NM_005477.3 (MANE Select); coding-DNA position 2048, C replaced by T.
Protein change: p.Ser683Leu; replaces serine 683 with leucine.
Molecular consequence: missense variant.
Genome position (GRCh38, 1-based): chr15:73,324,184, G>A on the plus strand (C>T on the coding strand, the complement: HCN4 is on the minus strand). VCF-style: chr15-73324184-G-A. GRCh37 (hg19) VCF-style: chr15-73616525-G-A.
Other names: short protein forms S683L.
Identifiers: ClinVar variation 999579 (VCV000999579.8), dbSNP rs2042884942, ClinGen allele CA393090184.

ClinVar aggregate classification (germline): Uncertain significance (1 of 4 stars; one submission).

Conditions:
Brugada syndrome 8 (BRGDA8). Identifiers: Orphanet 130, MedGen C2751083, MONDO:0013148, OMIM 613123.

Allele frequency attached by ClinVar (database versions not stated): gnomAD exomes below 0.00001.
gnomAD v4.1: 1 of 1,614,122 alleles (0.000062%); highest among the groups gnomAD compares: Non-Finnish European, 0.000085%; no homozygotes.

Submission:

Labcorp Genetics (formerly Invitae), Labcorp
Classification: Uncertain significance for Brugada syndrome 8. Last evaluated: 2020-11-04. Review status: criteria provided, single submitter. Criteria: Invitae Variant Classification Sherloc (09022015). Collection method: clinical testing. Allele origin: germline.
Comment: This variant is not present in population databases (ExAC no frequency). Advanced modeling of protein sequence and biophysical properties (such as structural, functional, and spatial information, amino acid conservation, physicochemical variation, residue mobility, and thermodynamic stability) performed at Invitae indicates that this missense variant is expected to disrupt HCN4 protein function. This variant has not been reported in the literature in individuals with HCN4-related conditions. This sequence change replaces serine with leucine at codon 683 of the HCN4 protein (p.Ser683Leu). The serine residue is highly conserved and there is a large physicochemical difference between serine and leucine. In summary, the available evidence is currently insufficient to determine the role of this variant in disease. Therefore, it has been classified as a Variant of Uncertain Significance.